The following is an entry in ClinVar:

ClinVar aggregate classification (germline): Uncertain significance (1 of 4 stars; one submission).

Conditions:
Hypercholesterolemia, autosomal dominant, 3 (FHCL3). Also called: PCSK9-Related Familial Hypercholesterolemia, Autosomal Dominant; Familial Hypercholesterolemia, Autosomal Dominant, 3; Familial hypercholesterolemia 3. Identifiers: MedGen C1863551, MONDO:0011369, OMIM 603776.

Submission:

Labcorp Genetics (formerly Invitae), Labcorp
Classification: Uncertain significance for Hypercholesterolemia, autosomal dominant, 3. Last evaluated: 2025-03-05. Review status: criteria provided, single submitter. Criteria: Invitae Variant Classification Sherloc (09022015). Collection method: clinical testing. Allele origin: germline.
Comment: This sequence change falls in intron 10 of the PCSK9 gene. It does not directly change the encoded amino acid sequence of the PCSK9 protein. It affects a nucleotide within the consensus splice site. This variant is not present in population databases (gnomAD no frequency). This variant has not been reported in the literature in individuals affected with PCSK9-related conditions. Variants that disrupt the consensus splice site are a relatively common cause of aberrant splicing (PMID: 17576681, 9536098). Algorithms developed to predict the effect of sequence changes on RNA splicing suggest that this variant may disrupt the consensus splice site. In summary, the available evidence is currently insufficient to determine the role of this variant in disease. Therefore, it has been classified as a Variant of Uncertain Significance.

Literature cited by the submitters: PubMed 17576681; PubMed 9536098.

NM_174936.4(PCSK9):c.1681+3A>G

Gene: PCSK9 (proprotein convertase subtilisin/kexin type 9; plus strand). Cytogenetic location: 1p32.3.
Variant type: single nucleotide variant.
Coding change: c.1681+3A>G on transcript NM_174936.4 (MANE Select); 3 bases into the intron after coding-DNA position 1681, A replaced by G.
Molecular consequence: intron variant.
Genome position (GRCh38, 1-based): chr1:55,059,666, A>G. VCF-style: chr1-55059666-A-G. GRCh37 (hg19) VCF-style: chr1-55525339-A-G.
Other names: c.1489+3A>G (NM_001407245.1); c.1306+3A>G (NM_001407246.1); c.1804+3A>G (NM_001407240.1); c.1684+3A>G (NM_001407242.1); c.1723+3A>G (NM_001407241.1); c.1507+3A>G (NM_001407244.1); c.1181-1709A>G (NM_001407247.1); c.1624+3A>G (NM_001407243.1).
Identifiers: ClinVar variation 4704274 (VCV004704274.1).